The following is an entry in ClinVar:

ClinVar aggregate classification (germline): Uncertain significance. Review status: criteria provided, multiple submitters, no conflicts (2 of 4 stars). 2 submissions from 2 submitters: Uncertain significance (2). Last evaluated 2025-03-17.

Conditions:
Inborn genetic diseases. Identifiers: MedGen C0950123, MeSH D030342.

Allele frequency attached by ClinVar (database versions not stated): ExAC 0.00002; gnomAD 0.00005 and 0.00006; TOPMed 0.00005; ESP Exome Variant Server 0.00015.
gnomAD v4.1: 65 of 1,614,062 alleles (0.004%); highest among the groups gnomAD compares: African/African-American, 0.0053%; no homozygotes.

Submissions (2):

Labcorp Genetics (formerly Invitae), Labcorp
Classification: Uncertain significance. Last evaluated: 2025-03-17. Review status: criteria provided, single submitter. Criteria: Invitae Variant Classification Sherloc (09022015). Collection method: clinical testing. Allele origin: germline.
Comment: This sequence change replaces alanine, which is neutral and non-polar, with proline, which is neutral and non-polar, at codon 205 of the TEAD1 protein (p.Ala205Pro). This variant is present in population databases (rs370568321, gnomAD 0.007%). This variant has not been reported in the literature in individuals affected with TEAD1-related conditions. ClinVar contains an entry for this variant (Variation ID: 938591). Invitae Evidence Modeling of protein sequence and biophysical properties (such as structural, functional, and spatial information, amino acid conservation, physicochemical variation, residue mobility, and thermodynamic stability) indicates that this missense variant is not expected to disrupt TEAD1 protein function with a negative predictive value of 80%. In summary, the available evidence is currently insufficient to determine the role of this variant in disease. Therefore, it has been classified as a Variant of Uncertain Significance.

Ambry Genetics
Classification: Uncertain significance for Inborn genetic diseases. Last evaluated: 2025-03-08. Review status: criteria provided, single submitter. Criteria: Ambry Variant Classification Scheme 2023. Collection method: clinical testing. Allele origin: germline.

NM_021961.6(TEAD1):c.613G>C (p.Ala205Pro)

Gene: TEAD1 (TEA domain transcription factor 1; plus strand). Cytogenetic location: 11p15.3.
Variant type: single nucleotide variant.
Coding change: c.613G>C on transcript NM_021961.6 (MANE Select); coding-DNA position 613, G replaced by C.
Protein change: p.Ala205Pro; replaces alanine 205 with proline.
Molecular consequence: missense variant.
Genome position (GRCh38, 1-based): chr11:12,883,039, G>C. VCF-style: chr11-12883039-G-C. GRCh37 (hg19) VCF-style: chr11-12904586-G-C.
Other names: short protein forms A205P.
Identifiers: ClinVar variation 938591 (VCV000938591.10), dbSNP rs370568321, ClinGen allele CA5891691.